The following is an entry in ClinVar:

NM_000492.4(CFTR):c.200C>T (p.Pro67Leu)

Gene: CFTR (CF transmembrane conductance regulator; plus strand). Cytogenetic location: 7q31.2.
Variant type: single nucleotide variant.
Coding change: c.200C>T on transcript NM_000492.4 (MANE Select); coding-DNA position 200, C replaced by T.
Protein change: p.Pro67Leu; replaces proline 67 with leucine.
Molecular consequence: missense variant.
Genome position (GRCh38, 1-based): chr7:117,509,069, C>T. VCF-style: chr7-117509069-C-T. GRCh37 (hg19) VCF-style: chr7-117149123-C-T.
Other names: short protein forms P67L.
Identifiers: ClinVar variation 53425 (VCV000053425.61), dbSNP rs368505753, ClinGen allele CA345310.
Genomic context (GRCh38, chr7:117,509,069, plus strand): 5'-GGTCCCACTTTTTATTCTTTTGCAGAGAATGGGATAGAGAGCTGGCTTCAAAGAAAAATC[C>T]TAAACTCATTAATGCCCTTCGGCGATGTTTTTTCTGGAGATTTATGTTCTATGGAATCTT-3'
Protein context (NP_000483.3, residues 57-77): WDRELASKKN[Pro67Leu]KLINALRRCF

ClinVar aggregate classification (germline): Pathogenic; drug response. Review status: reviewed by expert panel (3 of 4 stars). 28 submissions from 25 submitters: Pathogenic (1). 26 of the submissions do not count toward it. Last evaluated 2021-03-24.

Conditions:
CFTR-related disorder (CFTR-RD). Also called: CFTR-related condition; CFTR-related disorders. Identifiers: MedGen C5924204, MONDO:7770004.
Congenital bilateral aplasia of vas deferens from CFTR mutation (CBAVD). Identifiers: Orphanet 48, MedGen C0403814, MONDO:0010178, OMIM 277180. Disease mechanism: loss of function.
Cystic fibrosis (CF). Also called: MUCOVISCIDOSIS. Identifiers: Orphanet 586, MedGen C0010674, MONDO:0009061, OMIM 219700. Disease mechanism: loss of function.
Hereditary pancreatitis (PCTT). Also called: Hereditary chronic pancreatitis; PRSS1-Related Hereditary Pancreatitis. Identifiers: Orphanet 676, MedGen C0238339, MONDO:0008185, OMIM 167800.
Bronchiectasis with or without elevated sweat chloride 1 (BESC1). Also called: Cystic Fibrosis-Like Syndrome. Identifiers: Orphanet 60033, MedGen C2749757, MONDO:0008887, OMIM 211400.
ivacaftor response - Efficacy. Identifiers: MedGen CN322735.

Allele frequency attached by ClinVar (database versions not stated): ExAC 0.00003; gnomAD 0.00003 and 0.00004; gnomAD exomes 0.00004 and 0.00012; TOPMed 0.00005; ESP Exome Variant Server 0.00008.
gnomAD v4.1: 176 of 1,612,926 alleles (0.011%); highest among the groups gnomAD compares: Non-Finnish European, 0.014%; no homozygotes.

Submissions 1 to 7 of 28:

ClinPGx
Classification: drug response for ivacaftor response - Efficacy. Last evaluated: 2021-03-24. Review status: reviewed by expert panel. Criteria: Pharmacogenomics knowledge for personalized medicine. Collection method: curation. Allele origin: germline. Affected: yes.
Comment: PharmGKB Level of Evidence 1A: Level 1A clinical annotations describe variant-drug combinations that have variant-specific prescribing guidance available in a current clinical guideline annotation or an FDA-approved drug label annotation. Annotations of drug labels or clinical guidelines must give prescribing guidance for specific variants (e.g. CYP2C9*3, HLA-B*57:01) or provide mapping from defined allele functions to diplotypes and phenotypes to be used as supporting evidence for a level 1A clinical annotation. Level 1A clinical annotations must also be supported by at least one publication in addition to a clinical guideline or drug label with variant-specific prescribing guidance.

Drug is not necessarily used to treat response condition

CFTR2
Classification: Pathogenic for Cystic fibrosis. Last evaluated: 2017-03-17. Review status: reviewed by expert panel. Criteria: Sosnay PR et al. (Nat Genet 2013). Collection method: research. Allele origin: germline. Affected: yes. Study: CFTR2.

Labcorp Genetics (formerly Invitae), Labcorp
Classification: Pathogenic for Cystic fibrosis. Last evaluated: 2026-02-01. Review status: criteria provided, single submitter. Criteria: Invitae Variant Classification Sherloc (09022015). Collection method: clinical testing. Allele origin: germline. Not counted in ClinVar's aggregate classification.
Comment: This sequence change replaces proline, which is neutral and non-polar, with leucine, which is neutral and non-polar, at codon 67 of the CFTR protein (p.Pro67Leu). This variant is present in population databases (rs368505753, gnomAD 0.006%). This missense change has been observed in individual(s) with cystic fibrosis (CF), congenital bilateral absence of vas deferens, or other CFTR-related conditions (PMID: 9507391, 16840743, 22658665, 23974870). In at least one individual the data is consistent with being in trans (on the opposite chromosome) from a pathogenic variant. ClinVar contains an entry for this variant (Variation ID: 53425). Invitae Evidence Modeling of protein sequence and biophysical properties (such as structural, functional, and spatial information, amino acid conservation, physicochemical variation, residue mobility, and thermodynamic stability) indicates that this missense variant is expected to disrupt CFTR protein function with a positive predictive value of 80%. Experimental studies have shown that this missense change affects CFTR function (PMID: 23891399, 23974870). For these reasons, this variant has been classified as Pathogenic.

Otogenetics
Classification: Pathogenic for Cystic fibrosis; Congenital bilateral aplasia of vas deferens from CFTR mutation. Last evaluated: 2026-01-23. Review status: criteria provided, single submitter. Criteria: ACMG Guidelines, 2015. Collection method: clinical testing. Allele origin: germline. Not counted in ClinVar's aggregate classification.
Comment: PS3_Supporting: Well-established in vitro and in vivo functional studies supportive of damaging effect on the gene product, with low residual enzymatic activity relative to wild-type reported (PMID: 23891399, 23974870); PM2: Maximum gnomAD MAF of 0.007% in European-Non Finnish (NFE) subpopulation (<0.296% threshold); PM3_VeryStrong: Variant reported in trans with 4 pathogenic variants in 25 individuals affected with cystic fibrosis and CF-related disorders (PMID: 28392015); PP3: In-silico models predict deleterious effect (Revel = 0.93, BayesDel = 0.45)

Natera, Inc.
Classification: Pathogenic for CFTR-related disorders. Last evaluated: 2025-12-09. Review status: criteria provided, single submitter. Criteria: Natera Variant Classification Schema (03/2026). Collection method: clinical testing. Allele origin: germline. Not counted in ClinVar's aggregate classification.
Comment: The c.200C>T variant in CFTR is a missense variant predicted to cause substitution of proline to leucine at amino acid 67. This variant is rare in the general population with a frequency below the threshold expected for the associated phenotype(s). This variant has been observed in one or more individuals affected with the associated recessive disease, as either homozygous or compound heterozygous with a second variant (PMID: 23286748, 25963003, 28392015). Computational prediction algorithms indicate this variant is likely to affect gene or protein function. Given the available evidence, this variant is classified as Pathogenic.

PreventionGenetics, part of Exact Sciences
Classification: Pathogenic for CFTR-related condition. Last evaluated: 2025-08-21. Review status: criteria provided, single submitter. Criteria: ACMG Guidelines, 2015. Collection method: clinical testing. Allele origin: germline. Not counted in ClinVar's aggregate classification.
Comment: The CFTR c.200C>T variant is predicted to result in the amino acid substitution p.Pro67Leu. This variant has been reported in multiple individuals with cystic fibrosis, congenital bilateral absence of vas deferens, or other CFTR-related conditions (Gilfillan et al. 1998. PubMed ID: 9507391; Ooi et al. 2012. PubMed ID: 22658665;, Sosnay et al. 2013. PubMed ID: 23974870). Experimental studies have shown that this variant is deleterious for CFTR function (Sabusap et al. 2021. PubMed ID: 27660821; Van Goor et al. 2014 PubMed ID: 23891399; Sosnay et al. 2013. PubMed ID: 23974870). This variant is consistently interpreted as pathogenic for cystic fibrosis in ClinVar (Variation ID: 53425). This variant is interpreted as pathogenic.

Ambry Genetics
Classification: Pathogenic for Cystic fibrosis. Last evaluated: 2024-12-03. Review status: criteria provided, single submitter. Criteria: Ambry Variant Classification Scheme 2023. Collection method: clinical testing. Allele origin: germline. Not counted in ClinVar's aggregate classification.
Comment: The p.P67L pathogenic mutation (also known as c.200C>T), located in coding exon 3 of the CFTR gene, results from a C to T substitution at nucleotide position 200. The proline at codon 67 is replaced by leucine, an amino acid with similar properties. In vitro functional studies showed that while CFTR transcripts with this pathogenic mutation had similar mRNA levels compared to wildtype, the amount of processed mature protein was significantly decreased (Van Goor F et al. J. Cyst. Fibros., 2014 Jan;13:29-36). This mutation is associated with borderline sweat chloride levels and pancreatic sufficiency (Sosnay PR et al. Nat. Genet., 2013 Oct;45:1160-7). Based on the supporting evidence, this alteration is interpreted as a disease-causing mutation.